The following is an entry in ClinVar:

ClinVar aggregate classification (germline): Uncertain significance. Review status: criteria provided, multiple submitters, no conflicts (2 of 4 stars). 2 submissions from 2 submitters: Uncertain significance (2). Last evaluated 2024-11-23.

Conditions:
Inborn genetic diseases. Identifiers: MedGen C0950123, MeSH D030342.
Pyogenic arthritis-pyoderma gangrenosum-acne syndrome (PAPA). Also called: FAMILIAL RECURRENT ARTHRITIS; PAPA SYNDROME. Identifiers: Orphanet 69126, MedGen C1858361, MONDO:0011462, OMIM 604416.

Allele frequency attached by ClinVar (database versions not stated): ExAC 0.00002.
gnomAD v4.1: 5 of 1,603,724 alleles (0.00031%); highest among the groups gnomAD compares: Admixed American, 0.0085%; no homozygotes.

Submissions (2):

Labcorp Genetics (formerly Invitae), Labcorp
Classification: Uncertain significance for Pyogenic arthritis-pyoderma gangrenosum-acne syndrome. Last evaluated: 2024-11-23. Review status: criteria provided, single submitter. Criteria: Invitae Variant Classification Sherloc (09022015). Collection method: clinical testing. Allele origin: germline.
Comment: This sequence change replaces glutamic acid, which is acidic and polar, with aspartic acid, which is acidic and polar, at codon 291 of the PSTPIP1 protein (p.Glu291Asp). This variant is present in population databases (rs750616270, gnomAD 0.02%). This variant has not been reported in the literature in individuals affected with PSTPIP1-related conditions. ClinVar contains an entry for this variant (Variation ID: 2588819). Invitae Evidence Modeling of protein sequence and biophysical properties (such as structural, functional, and spatial information, amino acid conservation, physicochemical variation, residue mobility, and thermodynamic stability) indicates that this missense variant is not expected to disrupt PSTPIP1 protein function with a negative predictive value of 80%. In summary, the available evidence is currently insufficient to determine the role of this variant in disease. Therefore, it has been classified as a Variant of Uncertain Significance.

Ambry Genetics
Classification: Uncertain significance for Inborn genetic diseases. Last evaluated: 2023-07-25. Review status: criteria provided, single submitter. Criteria: Ambry Variant Classification Scheme 2023. Collection method: clinical testing. Allele origin: germline.

NM_003978.5(PSTPIP1):c.873G>T (p.Glu291Asp)

Gene: PSTPIP1 (proline-serine-threonine phosphatase interacting protein 1; plus strand). Cytogenetic location: 15q24.3.
Variant type: single nucleotide variant.
Coding change: c.873G>T on transcript NM_003978.5 (MANE Select); coding-DNA position 873, G replaced by T.
Protein change: p.Glu291Asp; replaces glutamic acid 291 with aspartic acid.
Molecular consequence: missense variant. On other transcripts: intron variant (1).
Genome position (GRCh38, 1-based): chr15:77,032,896, G>T. VCF-style: chr15-77032896-G-T. GRCh37 (hg19) VCF-style: chr15-77325237-G-T.
Other names: c.846G>T, p.Glu282Asp (NM_001321136.2); c.1068G>T, p.Glu356Asp (NM_001321137.1); c.873G>T, p.Glu291Asp (NM_001411086.1); c.872+468G>T (NM_001321135.2); short protein forms E291D, E282D, E356D.
Identifiers: ClinVar variation 2588819 (VCV002588819.4), dbSNP rs750616270, ClinGen allele CA7676057.